The following is an entry in ClinVar:

NM_000153.4(GALC):c.1541T>C (p.Phe514Ser)

Gene: GALC (galactosylceramidase; minus strand). Cytogenetic location: 14q31.3.
Variant type: single nucleotide variant.
Coding change: c.1541T>C on transcript NM_000153.4 (MANE Select); coding-DNA position 1541, T replaced by C.
Protein change: p.Phe514Ser; replaces phenylalanine 514 with serine.
Molecular consequence: missense variant.
Genome position (GRCh38, 1-based): chr14:87,945,682, A>G on the plus strand (T>C on the coding strand, the complement: GALC is on the minus strand). VCF-style: chr14-87945682-A-G. GRCh37 (hg19) VCF-style: chr14-88412026-A-G.
Other names: c.1472T>C, p.Phe491Ser (NM_001201401.2); c.1463T>C, p.Phe488Ser (NM_001201402.2); short protein forms F514S, F491S, F488S.
Identifiers: ClinVar variation 289955 (VCV000289955.23), dbSNP rs375867319, ClinGen allele CA10606606.
Genomic context (GRCh38, chr14:87,945,682, plus strand): 5'-AGAACTTGGCGTAGCGTGAAGTGATGCTCGCCAGGGTCTTCAATATTTGTAAAATATTCA[A>G]ATACACCAGTTTGATCAGCAAAGTTTGGAGCTTCACTAAAAAATGGGTAATCTGTTCAGA-3'
Protein context (NP_000144.2, residues 504-524): APNFADQTGV[Phe514Ser]EYFTNIEDPG

ClinVar aggregate classification (germline): Conflicting classifications of pathogenicity. Review status: criteria provided, conflicting classifications (1 of 4 stars). 8 submissions from 8 submitters: Pathogenic (2); Likely pathogenic (5); Uncertain significance (1). Last evaluated 2026-01-12.

Conditions:
Galactosylceramide beta-galactosidase deficiency. Also called: GALACTOCEREBROSIDASE DEFICIENCY; GALC DEFICIENCY; GLOBOID CELL LEUKOENCEPHALOPATHY; Krabbe Disease; Leukodystrophy, Globoid Cell. Identifiers: Orphanet 487, MedGen C0023521, MONDO:0009499, OMIM 245200.

Allele frequency attached by ClinVar (database versions not stated): gnomAD 0.00001; gnomAD exomes 0.00001; TOPMed 0.00003; ESP Exome Variant Server 0.00017.
gnomAD v4.1: 12 of 1,612,216 alleles (0.00074%); highest among the groups gnomAD compares: Non-Finnish European, 0.001%; no homozygotes.

Submissions (8):

Natera, Inc.
Classification: Likely pathogenic for Galactosylceramide beta-galactosidase deficiency. Last evaluated: 2026-01-12. Review status: criteria provided, single submitter. Criteria: Natera Variant Classification Schema (03/2026). Collection method: clinical testing. Allele origin: germline.
Comment: The c.1541T>C variant in GALC is a missense variant predicted to cause substitution of phenylalanine to serine at amino acid 514. This variant is rare in the general population with a frequency below the threshold expected for the associated phenotype(s). This variant has been observed in one or more individuals affected with the associated recessive disease, as either homozygous or compound heterozygous with a second variant (PMID: 22115770, 9338580, 17579360). Functional studies show that this variant may disrupt protein function (PMID: 27638593). Computational prediction algorithms indicate this variant is likely to affect gene or protein function. Given the available evidence, this variant is classified as Likely Pathogenic.

Fulgent Genetics
Classification: Likely pathogenic for Galactosylceramide beta-galactosidase deficiency. Last evaluated: 2024-05-16. Review status: criteria provided, single submitter. Criteria: ACMG Guidelines, 2015. Collection method: clinical testing. Allele origin: germline.

Labcorp Genetics (formerly Invitae), Labcorp
Classification: Pathogenic for Galactosylceramide beta-galactosidase deficiency. Last evaluated: 2024-02-05. Review status: criteria provided, single submitter. Criteria: Invitae Variant Classification Sherloc (09022015). Collection method: clinical testing. Allele origin: germline.
Comment: This sequence change replaces phenylalanine, which is neutral and non-polar, with serine, which is neutral and polar, at codon 514 of the GALC protein (p.Phe514Ser). This variant is present in population databases (rs375867319, gnomAD 0.003%). This missense change has been observed in individual(s) with Krabbe disease (PMID: 9338580; Invitae). In at least one individual the data is consistent with being in trans (on the opposite chromosome) from a pathogenic variant. This variant is also known as p.Phe498Ser. ClinVar contains an entry for this variant (Variation ID: 289955). Advanced modeling of protein sequence and biophysical properties (such as structural, functional, and spatial information, amino acid conservation, physicochemical variation, residue mobility, and thermodynamic stability) performed at Invitae indicates that this missense variant is expected to disrupt GALC protein function with a positive predictive value of 95%. Experimental studies have shown that this missense change affects GALC function (PMID: 27638593). For these reasons, this variant has been classified as Pathogenic.

Revvity Omics, Revvity
Classification: Likely pathogenic. Last evaluated: 2022-09-23. Review status: criteria provided, single submitter. Criteria: ACMG Guidelines, 2015. Collection method: clinical testing. Allele origin: germline.

Blueprint Genetics
Classification: Uncertain significance. Last evaluated: 2021-08-23. Review status: criteria provided, single submitter. Criteria: ACMG Guidelines, 2015. Collection method: clinical testing. Allele origin: germline.

Women's Health and Genetics/Laboratory Corporation of America, LabCorp
Classification: Pathogenic for Galactosylceramide beta-galactosidase deficiency. Last evaluated: 2021-08-12. Review status: criteria provided, single submitter. Criteria: LabCorp Variant Classification Summary - May 2015. Collection method: clinical testing. Allele origin: germline.
Comment: Variant summary: GALC c.1541T>C (p.Phe514Ser) results in a non-conservative amino acid change in the encoded protein sequence. Five of five in-silico tools predict a damaging effect of the variant on protein function. The variant allele was found at a frequency of 1.2e-05 in 248836 control chromosomes. c.1541T>C has been reported in the literature in individuals affected with Krabbe Disease along with a second pathogenic allele (Wegner_1997, Lissens_2007, Fiumara_2011, Puckett_2012). Transfection studies showed the variant to result in mock levels of enzyme activity (Saavedra-Martiz_2016). Four clinical diagnostic laboratories have submitted clinical-significance assessments for this variant to ClinVar after 2014 without evidence for independent evaluation. All laboratories classified the variant as pathogenic/likely pathogenic. Based on the evidence outlined above, the variant was classified as pathogenic.

Mayo Clinic Laboratories, Mayo Clinic
Classification: Likely pathogenic. Last evaluated: 2019-06-09. Review status: criteria provided, single submitter. Criteria: ACMG Guidelines, 2015. Collection method: clinical testing. Allele origin: germline. Observed: 1 variant allele.
Comment: PM2, PM3, PP3, PP4, PP5

Eurofins Ntd Llc (ga)
Classification: Likely pathogenic. Last evaluated: 2016-08-26. Review status: criteria provided, single submitter. Criteria: EGL Classification Definitions 2015. Collection method: clinical testing. Allele origin: germline. Observed: 1 variant allele, 1 heterozygote.

Literature cited by the submitters: PubMed 22115770 (cited by 3 submitters); PubMed 9338580 (cited by 4 submitters); PubMed 17579360 (cited by 3 submitters); PubMed 27638593 (cited by 3 submitters); PubMed 21070211 (cited by Women's Health and Genetics/Laboratory Corporation of America, LabCorp and Mayo Clinic Laboratories, Mayo Clinic); PubMed 21876145 (cited by Mayo Clinic Laboratories, Mayo Clinic); PubMed 26795590 (cited by Mayo Clinic Laboratories, Mayo Clinic); PubMed 27617109 (cited by Mayo Clinic Laboratories, Mayo Clinic).